The following is an entry in ClinVar:

NM_001080421.3(UNC13A):c.3375T>C (p.Asn1125=)

Gene: UNC13A (unc-13 homolog A; minus strand). Cytogenetic location: 19p13.11.
Variant type: single nucleotide variant.
Coding change: c.3375T>C on transcript NM_001080421.3 (MANE Select); coding-DNA position 3375, T replaced by C.
Protein change: p.Asn1125=; no amino-acid change (asparagine 1125 retained).
Molecular consequence: synonymous variant.
Genome position (GRCh38, 1-based): chr19:17,632,835, A>G on the plus strand (T>C on the coding strand, the complement: UNC13A is on the minus strand). VCF-style: chr19-17632835-A-G. GRCh37 (hg19) VCF-style: chr19-17743644-A-G.
Other names: c.3369T>C, p.Asn1123= (NM_001387021.1, NM_001387022.1, NM_001387023.1).
Identifiers: ClinVar variation 3053218 (VCV003053218.2), dbSNP rs371756938, ClinGen allele CA9298010.
Genomic context (GRCh38, chr19:17,632,835, plus strand): 5'-GACTTACGCAGGGTACTCAGGCACGCGGTCCTTGAAGGCGGGAAGTTCCGTCACATACTC[A>G]TTGTAGAGCCATTTCACCTTGAAGTGGAGGTTCATGTAGTCGGCACTCTTGCATAGACGA-3'
Protein context (NP_001073890.2, residues 1115-1135): NLHFKVKWLY[Asn1125=]EYVTELPAFK

ClinVar aggregate classification (germline): Likely benign (0 of 4 stars; one submission).

Conditions:
UNC13A-related disorder. Also called: UNC13A-related condition.

Allele frequency attached by ClinVar (database versions not stated): gnomAD exomes 0.00009; ExAC 0.00023; gnomAD 0.00101; TOPMed 0.00101; ESP Exome Variant Server 0.00148.
gnomAD v4.1: 289 of 1,613,888 alleles (0.018%); highest among the groups gnomAD compares: African/African-American, 0.33%; no homozygotes.

Submission:

PreventionGenetics, part of Exact Sciences
Classification: Likely benign for UNC13A-related condition. Last evaluated: 2020-10-12. Review status: no assertion criteria provided. Collection method: clinical testing. Allele origin: germline.
Comment: This variant is classified as likely benign based on ACMG/AMP sequence variant interpretation guidelines (Richards et al. 2015 PMID: 25741868, with internal and published modifications).